The following is an entry in ClinVar:

NM_053025.4(MYLK):c.4962-2A>G

Genes: MYLK (myosin light chain kinase; minus strand), MYLK-AS1 (MYLK antisense RNA 1; plus strand), LOC126806791 (MED14-independent group 3 enhancer GRCh37_chr3:123347871-123349070; plus strand). Cytogenetic location: 3q21.1.
Variant type: single nucleotide variant.
Coding change: c.4962-2A>G on transcript NM_053025.4 (MANE Select); the canonical splice acceptor site of the intron before coding-DNA position 4962, A replaced by G.
Molecular consequence: splice acceptor variant. On other transcripts: non-coding transcript variant (2), intron variant (2).
Genome position (GRCh38, 1-based): chr3:123,629,628, T>C on the plus strand (A>G on the coding strand, the complement: MYLK is on the minus strand). VCF-style: chr3-123629628-T-C. GRCh37 (hg19) VCF-style: chr3-123348475-T-C.
Other names: c.4434-2A>G (NM_001321309.2); c.4755-2687A>G (NM_053028.4); c.4755-2A>G (NM_053026.4); c.4962-2687A>G (NM_053027.4).
Identifiers: ClinVar variation 1525501 (VCV001525501.8), dbSNP rs2108006223, ClinGen allele CA354233444.

ClinVar aggregate classification (germline): Likely pathogenic (1 of 4 stars; one submission).

Conditions:
Aortic aneurysm, familial thoracic 7 (AAT7). Also called: AORTIC DISSECTION, FAMILIAL, WITH OR WITHOUT AORTIC ANEURYSM. Identifiers: MedGen C3151077, MONDO:0013418, OMIM 613780.

gnomAD v4.1: 1 of 1,613,574 alleles (0.000062%); no homozygotes.

Submission:

Labcorp Genetics (formerly Invitae), Labcorp
Classification: Likely pathogenic for Aortic aneurysm, familial thoracic 7. Last evaluated: 2024-01-04. Review status: criteria provided, single submitter. Criteria: Invitae Variant Classification Sherloc (09022015). Collection method: clinical testing. Allele origin: germline.
Comment: This sequence change affects an acceptor splice site in intron 29 of the MYLK gene. This variant occurs within the aortic-specific isoform of MYLK. Loss-of-function variants in the aortic-specific isoform of MYLK are known to be pathogenic for thoracic aortic dissections (PMID: 21055718). This variant is not present in population databases (gnomAD no frequency). This variant has not been reported in the literature in individuals affected with MYLK-related conditions. ClinVar contains an entry for this variant (Variation ID: 1525501). Algorithms developed to predict the effect of sequence changes on RNA splicing suggest that this variant may disrupt the consensus splice site. In summary, the currently available evidence indicates that the variant is pathogenic, but additional data are needed to prove that conclusively. Therefore, this variant has been classified as Likely Pathogenic.

Literature cited by the submitters: PubMed 21055718.